The following is an entry in ClinVar:

NM_015978.3(TNNI3K):c.1097T>C (p.Met366Thr)

Genes: FPGT-TNNI3K (FPGT-TNNI3K readthrough; plus strand), TNNI3K (TNNI3 interacting kinase; plus strand). Cytogenetic location: 1p31.1.
Variant type: single nucleotide variant.
Coding change: c.1097T>C on transcript NM_015978.3 (MANE Select); coding-DNA position 1097, T replaced by C.
Protein change: p.Met366Thr; replaces methionine 366 with threonine.
Molecular consequence: missense variant.
Genome position (GRCh38, 1-based): chr1:74,354,049, T>C. VCF-style: chr1-74354049-T-C. GRCh37 (hg19) VCF-style: chr1-74819733-T-C.
Other names: c.1400T>C, p.Met467Thr (NM_001112808.3, NM_001199327.2); short protein forms M467T, M366T.
Identifiers: ClinVar variation 1406963 (VCV001406963.8), dbSNP rs777378688, ClinGen allele CA909154.

ClinVar aggregate classification (germline): Uncertain significance. Review status: criteria provided, multiple submitters, no conflicts (2 of 4 stars). 4 submissions from 4 submitters: Uncertain significance (4). Last evaluated 2024-03-31.

Conditions:
Inborn genetic diseases. Identifiers: MedGen C0950123, MeSH D030342.
Atrial conduction disease. Identifiers: Orphanet 436242, MedGen CN221670, MONDO:0014500.

Allele frequency attached by ClinVar (database versions not stated): gnomAD exomes below 0.00001 and 0.00001; ExAC 0.00001; TOPMed 0.00002.
gnomAD v4.1: 3 of 1,614,138 alleles (0.00019%); highest among the groups gnomAD compares: Non-Finnish European, 0.00025%; no homozygotes.

Submissions (4):

Labcorp Genetics (formerly Invitae), Labcorp
Classification: Uncertain significance. Last evaluated: 2024-03-31. Review status: criteria provided, single submitter. Criteria: Invitae Variant Classification Sherloc (09022015). Collection method: clinical testing. Allele origin: germline.
Comment: This sequence change replaces methionine, which is neutral and non-polar, with threonine, which is neutral and polar, at codon 366 of the TNNI3K protein (p.Met366Thr). This variant is present in population databases (rs777378688, gnomAD 0.01%). This variant has not been reported in the literature in individuals affected with TNNI3K-related conditions. ClinVar contains an entry for this variant (Variation ID: 1406963). Advanced modeling of protein sequence and biophysical properties (such as structural, functional, and spatial information, amino acid conservation, physicochemical variation, residue mobility, and thermodynamic stability) performed at Invitae indicates that this missense variant is not expected to disrupt TNNI3K protein function with a negative predictive value of 80%. In summary, the available evidence is currently insufficient to determine the role of this variant in disease. Therefore, it has been classified as a Variant of Uncertain Significance.

Genome-Nilou Lab
Classification: Uncertain significance for Cardiac conduction disease with or without dilated cardiomyopathy 1. Last evaluated: 2023-04-11. Review status: criteria provided, single submitter. Criteria: ACMG Guidelines, 2015. Collection method: clinical testing. Allele origin: germline. Affected: no.

Blueprint Genetics
Classification: Uncertain significance. Last evaluated: 2022-07-07. Review status: criteria provided, single submitter. Criteria: ACMG Guidelines, 2015. Collection method: clinical testing. Allele origin: germline.

Ambry Genetics
Classification: Uncertain significance for Inborn genetic diseases. Last evaluated: 2021-08-23. Review status: criteria provided, single submitter. Criteria: Ambry Variant Classification Scheme 2023. Collection method: clinical testing. Allele origin: germline.